The following is an entry in ClinVar:

ClinVar aggregate classification (germline): Uncertain significance. Review status: criteria provided, multiple submitters, no conflicts (2 of 4 stars). 2 submissions from 2 submitters: Uncertain significance (2). Last evaluated 2025-07-11.

Conditions:
Inborn genetic diseases. Identifiers: MedGen C0950123, MeSH D030342.
Fanconi anemia (FA). Also called: Fanconi's anemia. Identifiers: Orphanet 84, MedGen C0015625, MeSH D005199, MONDO:0019391.

Allele frequency attached by ClinVar (database versions not stated): gnomAD exomes below 0.00001.
gnomAD v4.1: 2 of 1,604,566 alleles (0.00012%); highest among the groups gnomAD compares: Non-Finnish European, 0.000085%; no homozygotes.

Submissions (2):

Ambry Genetics
Classification: Uncertain significance for Inborn genetic diseases. Last evaluated: 2025-07-11. Review status: criteria provided, single submitter. Criteria: Ambry Variant Classification Scheme 2023. Collection method: clinical testing. Allele origin: germline.
Comment: The p.E1521V variant (also known as c.4562A>T), located in coding exon 18 of the FANCM gene, results from an A to T substitution at nucleotide position 4562. The glutamic acid at codon 1521 is replaced by valine, an amino acid with dissimilar properties. This amino acid position is conserved. In addition, the in silico prediction for this alteration is inconclusive. Based on the available evidence, the clinical significance of this variant remains unclear.

Labcorp Genetics (formerly Invitae), Labcorp
Classification: Uncertain significance for Fanconi anemia. Last evaluated: 2023-12-06. Review status: criteria provided, single submitter. Criteria: Invitae Variant Classification Sherloc (09022015). Collection method: clinical testing. Allele origin: germline.
Comment: This sequence change replaces glutamic acid, which is acidic and polar, with valine, which is neutral and non-polar, at codon 1521 of the FANCM protein (p.Glu1521Val). This variant is not present in population databases (gnomAD no frequency). This variant has not been reported in the literature in individuals affected with FANCM-related conditions. ClinVar contains an entry for this variant (Variation ID: 2038723). An algorithm developed to predict the effect of missense changes on protein structure and function (PolyPhen-2) suggests that this variant is likely to be disruptive. In summary, the available evidence is currently insufficient to determine the role of this variant in disease. Therefore, it has been classified as a Variant of Uncertain Significance.

NM_020937.4(FANCM):c.4562A>T (p.Glu1521Val)

Gene: FANCM (FA complementation group M; plus strand). Cytogenetic location: 14q21.2.
Variant type: single nucleotide variant.
Coding change: c.4562A>T on transcript NM_020937.4 (MANE Select); coding-DNA position 4562, A replaced by T.
Protein change: p.Glu1521Val; replaces glutamic acid 1521 with valine.
Molecular consequence: missense variant.
Genome position (GRCh38, 1-based): chr14:45,185,263, A>T. VCF-style: chr14-45185263-A-T. GRCh37 (hg19) VCF-style: chr14-45654466-A-T.
Other names: c.4484A>T, p.Glu1495Val (NM_001308133.2); short protein forms E1521V, E1495V.
Identifiers: ClinVar variation 2038723 (VCV002038723.5), dbSNP rs2503228588, ClinGen allele CA389608170.